The following is an entry in ClinVar:

NM_001330700.2(TOP2B):c.94G>A (p.Ala32Thr)

Gene: TOP2B (DNA topoisomerase II beta; minus strand). Cytogenetic location: 3p24.2.
Variant type: single nucleotide variant.
Coding change: c.94G>A on transcript NM_001330700.2 (MANE Select); coding-DNA position 94, G replaced by A.
Protein change: p.Ala32Thr; replaces alanine 32 with threonine.
Molecular consequence: missense variant.
Genome position (GRCh38, 1-based): chr3:25,645,446, C>T on the plus strand (G>A on the coding strand, the complement: TOP2B is on the minus strand). VCF-style: chr3-25645446-C-T. GRCh37 (hg19) VCF-style: chr3-25686937-C-T.
Other names: c.79G>A, p.Ala27Thr (NM_001068.3); short protein forms A27T, A32T.
Identifiers: ClinVar variation 3657554 (VCV003657554.2).
Genomic context (GRCh38, chr3:25,645,446, plus strand): 5'-CAACAGACAACTTCTTTGAAGAATCATTTTTGTTGGCAGTTTCTGACTCTTCTTTTTTTG[C>T]AGCATTGTTCTGATCAAAAAGAGTCTAAAATTAACCAAAAAATCAAATTTAAATAACCTA-3'
Protein context (NP_001317629.1, residues 22-42): WVTLFDQNNA[Ala32Thr]KKEESETANK

ClinVar aggregate classification (germline): Uncertain significance (1 of 4 stars; one submission).

Submission:

Labcorp Genetics (formerly Invitae), Labcorp
Classification: Uncertain significance. Last evaluated: 2024-06-23. Review status: criteria provided, single submitter. Criteria: Invitae Variant Classification Sherloc (09022015). Collection method: clinical testing. Allele origin: germline.
Comment: This sequence change replaces alanine, which is neutral and non-polar, with threonine, which is neutral and polar, at codon 27 of the TOP2B protein (p.Ala27Thr). This variant is not present in population databases (gnomAD no frequency). This variant has not been reported in the literature in individuals affected with TOP2B-related conditions. Algorithms developed to predict the effect of missense changes on protein structure and function output the following: SIFT: "Not Available"; PolyPhen-2: "Benign"; Align-GVGD: "Not Available". The threonine amino acid residue is found in multiple mammalian species, which suggests that this missense change does not adversely affect protein function. In summary, the available evidence is currently insufficient to determine the role of this variant in disease. Therefore, it has been classified as a Variant of Uncertain Significance.